The following is an entry in ClinVar:

NM_001349253.2(SCN11A):c.3835G>C (p.Glu1279Gln)

Gene: SCN11A (sodium voltage-gated channel alpha subunit 11; minus strand). Cytogenetic location: 3p22.2.
Variant type: single nucleotide variant.
Coding change: c.3835G>C on transcript NM_001349253.2 (MANE Select); coding-DNA position 3835, G replaced by C.
Protein change: p.Glu1279Gln; replaces glutamic acid 1279 with glutamine.
Molecular consequence: missense variant.
Genome position (GRCh38, 1-based): chr3:38,867,437, C>G on the plus strand (G>C on the coding strand, the complement: SCN11A is on the minus strand). VCF-style: chr3-38867437-C-G. GRCh37 (hg19) VCF-style: chr3-38908928-C-G.
Other names: c.3835G>C, p.Glu1279Gln (NM_014139.3); short protein forms E1279Q.
Identifiers: ClinVar variation 1487117 (VCV001487117.6), dbSNP rs2126092686, ClinGen allele CA352169509.

ClinVar aggregate classification (germline): Uncertain significance (1 of 4 stars; one submission).

Conditions:
Familial episodic pain syndrome with predominantly lower limb involvement. Also called: Episodic pain syndrome, familial, 3. Identifiers: Orphanet 391384, Orphanet 391392, MedGen C3809899, MONDO:0014247, OMIM 615552.
Hereditary sensory and autonomic neuropathy type 7. Also called: HSAN VII; Neuropathy, hereditary sensory and autonomic, type VII. Identifiers: Orphanet 391397, MedGen C3809882, MONDO:0014244, OMIM 615548.

Submission:

Labcorp Genetics (formerly Invitae), Labcorp
Classification: Uncertain significance for Familial episodic pain syndrome with predominantly lower limb involvement; Hereditary sensory and autonomic neuropathy type 7. Last evaluated: 2022-01-11. Review status: criteria provided, single submitter. Criteria: Invitae Variant Classification Sherloc (09022015). Collection method: clinical testing. Allele origin: germline.
Comment: Algorithms developed to predict the effect of missense changes on protein structure and function (SIFT, PolyPhen-2, Align-GVGD) all suggest that this variant is likely to be disruptive. This variant has not been reported in the literature in individuals affected with SCN11A-related conditions. This variant is not present in population databases (gnomAD no frequency). This sequence change replaces glutamic acid, which is acidic and polar, with glutamine, which is neutral and polar, at codon 1279 of the SCN11A protein (p.Glu1279Gln). In summary, the available evidence is currently insufficient to determine the role of this variant in disease. Therefore, it has been classified as a Variant of Uncertain Significance.